The following is an entry in ClinVar:

ClinVar aggregate classification (germline): Pathogenic (1 of 4 stars; one submission).

Submission:

GeneDx
Classification: Pathogenic. Last evaluated: 2024-05-30. Review status: criteria provided, single submitter. Criteria: GeneDx Variant Classification Process June 2021. Collection method: clinical testing. Allele origin: germline. Affected: yes.
Comment: Nonsense variant predicted to result in protein truncation or nonsense mediated decay in a gene for which loss of function is a known mechanism of disease; Not observed at significant frequency in large population cohorts (gnomAD); This variant is associated with the following publications: (PMID: 25525159, 10790201, 10063835)

NM_000252.3(MTM1):c.1338G>A (p.Trp446Ter)

Gene: MTM1 (myotubularin 1; plus strand). Cytogenetic location: Xq28.
Variant type: single nucleotide variant.
Coding change: c.1338G>A on transcript NM_000252.3 (MANE Select); coding-DNA position 1338, G replaced by A.
Protein change: p.Trp446Ter; replaces tryptophan 446 with a stop codon.
Molecular consequence: nonsense.
Genome position (GRCh38, 1-based): chrX:150,659,741, G>A. VCF-style: chrX-150659741-G-A. GRCh37 (hg19) VCF-style: chrX-149828214-G-A.
Other names: c.1338G>A, p.Trp446Ter (NM_001376906.1, NM_001376908.1); c.1227G>A, p.Trp409Ter (NM_001376907.1); short protein forms W409*, W446*.
Identifiers: ClinVar variation 3383626 (VCV003383626.1).